The following is an entry in ClinVar:

ClinVar aggregate classification (germline): Likely pathogenic (1 of 4 stars; one submission).

Conditions:
Marfan syndrome (MFS). Also called: MARFAN SYNDROME, TYPE I; Marfan syndrome type 1; Marfan's syndrome; Marfan syndrome, classic; FBN1-Related Marfan Syndrome. Identifiers: Orphanet 284963, Orphanet 558, MedGen C0024796, MONDO:0007947, OMIM 154700.
Familial thoracic aortic aneurysm and aortic dissection (TAAD). Also called: Thoracic aortic aneurysms and dissections. Identifiers: Orphanet 91387, MedGen C4707243, MONDO:0019625.

Submission:

Labcorp Genetics (formerly Invitae), Labcorp
Classification: Likely pathogenic for Marfan syndrome; Familial thoracic aortic aneurysm and aortic dissection. Last evaluated: 2023-01-01. Review status: criteria provided, single submitter. Criteria: Invitae Variant Classification Sherloc (09022015). Collection method: clinical testing. Allele origin: germline.
Comment: This sequence change replaces aspartic acid, which is acidic and polar, with valine, which is neutral and non-polar, at codon 2129 of the FBN1 protein (p.Asp2129Val). This variant is not present in population databases (gnomAD no frequency). In summary, the currently available evidence indicates that the variant is pathogenic, but additional data are needed to prove that conclusively. Therefore, this variant has been classified as Likely Pathogenic. This variant disrupts the p.Asp2129 amino acid residue in FBN1. Other variant(s) that disrupt this residue have been observed in individuals with FBN1-related conditions (PMID: 30675029, 31730815), which suggests that this may be a clinically significant amino acid residue. Advanced modeling of protein sequence and biophysical properties (such as structural, functional, and spatial information, amino acid conservation, physicochemical variation, residue mobility, and thermodynamic stability) performed at Invitae indicates that this missense variant is expected to disrupt FBN1 protein function. ClinVar contains an entry for this variant (Variation ID: 1517910). This missense change has been observed in individuals with clinical features of Marfan syndrome (PMID: 25652356; Invitae).

Literature cited by the submitters: PubMed 30675029; PubMed 31730815; PubMed 25652356.

NM_000138.5(FBN1):c.6386A>T (p.Asp2129Val)

Gene: FBN1 (fibrillin 1; minus strand). Cytogenetic location: 15q21.1.
Variant type: single nucleotide variant.
Coding change: c.6386A>T on transcript NM_000138.5 (MANE Select); coding-DNA position 6386, A replaced by T.
Protein change: p.Asp2129Val; replaces aspartic acid 2129 with valine.
Molecular consequence: missense variant.
Genome position (GRCh38, 1-based): chr15:48,437,071, T>A on the plus strand (A>T on the coding strand, the complement: FBN1 is on the minus strand). VCF-style: chr15-48437071-T-A. GRCh37 (hg19) VCF-style: chr15-48729268-T-A.
Other names: short protein forms D2129V.
Identifiers: ClinVar variation 1517910 (VCV001517910.8), dbSNP rs1566896114, ClinGen allele CA392336704.